The following is an entry in ClinVar:

ClinVar aggregate classification (germline): Uncertain significance (1 of 4 stars; one submission).

Submission:

Women's Health and Genetics/Laboratory Corporation of America, LabCorp
Classification: Uncertain significance. Last evaluated: 2026-01-15. Review status: criteria provided, single submitter. Criteria: LabCorp Variant Classification Summary - May 2015. Collection method: clinical testing. Allele origin: germline.
Comment: Variant summary: NSD1 c.5505_5509+4dupAAAAGGTAA alters nucleotide sequence located at an intron-exon boundary but the original splice site remains intact. Consensus agreement among computation tools predict no significant impact on normal splicing. However, these predictions have yet to be confirmed by functional studies. The variant was absent in 249140 control chromosomes. The available data on variant occurrences in the general population are insufficient to allow any conclusion about variant significance. To our knowledge, no occurrence of c.5505_5509+4dupAAAAGGTAA in individuals affected with NSD1-related conditions and no experimental evidence demonstrating its impact on protein function have been reported. No submitters have cited clinical-significance assessments for this variant to ClinVar. Based on the evidence outlined above, the variant was classified as uncertain significance.

NM_022455.5(NSD1):c.5505_5509+4dup

Genes: NSD1 (nuclear receptor binding SET domain protein 1; plus strand), LOC126807619 (MED14-independent group 3 enhancer GRCh37_chr5:176696443-176697642; plus strand). Cytogenetic location: 5q35.3.
Variant type: Duplication.
Coding change: c.5505_5509+4dup on transcript NM_022455.5 (MANE Select); coding-DNA position 5505 through 4 bases into the intron after coding-DNA position 5509, 9 bases duplicated (AAAAGGTAA; older notation c.5505_5509+4dupAAAAGGTAA).
Molecular consequence: splice donor variant.
Genome position (GRCh38, 1-based): chr5:177,269,803-177,269,811, AAAAGGTAA duplicated; duplicating any 9 consecutive bases within chr5:177,269,800-177,269,811 gives the same sequence; the c. name uses the placement nearest the transcript's 3' end. VCF-style (leftmost placement, unchanged base first): chr5-177269799-A-ATAAAAAAGG. GRCh37 (hg19) VCF-style: chr5-176696800-A-ATAAAAAAGG.
Other names: c.5505_5509+4dup (NM_001409301.1, NM_001409302.1, NM_001409303.1); c.5085_5089+4dup (NM_001409304.1); c.4752_4756+4dup (NM_001409305.1); c.4743_4747+4dup (NM_001409306.1, NM_001409307.1); c.4632_4636+4dup (NM_001409308.1, NM_172349.5, NM_001409309.1 and 1 more transcripts); c.5505_5509+4dupAAAAGGTAA (NM_022455.5).
Identifiers: ClinVar variation 4689364 (VCV004689364.1).
Genomic context (GRCh38, chr5:177,269,799, plus strand): 5'-CTTACATGGAGGGTGACGTGAGCAGCAAGGATAAGATGGGCAAAGGAGTGGATGGGACAT[A>ATAAAAAAGG]TAAAAAAGGTAACTTTATCCTTTTTGTTTCTCAGGCAAACACAGACCTCTGTTACCTGAG-3'